The following is an entry in ClinVar:

ClinVar aggregate classification (germline): Uncertain significance (1 of 4 stars; one submission).

Allele frequency attached by ClinVar (database versions not stated): ExAC 0.00003; 1000 Genomes Project 30x 0.00031.
gnomAD v4.1: 14 of 1,611,670 alleles (0.00087%); highest among the groups gnomAD compares: South Asian, 0.0066%; no homozygotes.

Submission:

Labcorp Genetics (formerly Invitae), Labcorp
Classification: Uncertain significance. Last evaluated: 2022-04-21. Review status: criteria provided, single submitter. Criteria: Invitae Variant Classification Sherloc (09022015). Collection method: clinical testing. Allele origin: germline.
Comment: In summary, the available evidence is currently insufficient to determine the role of this variant in disease. Therefore, it has been classified as a Variant of Uncertain Significance. Algorithms developed to predict the effect of missense changes on protein structure and function output the following: SIFT: "Tolerated"; PolyPhen-2: "Benign"; Align-GVGD: "Class C0". The histidine amino acid residue is found in multiple mammalian species, which suggests that this missense change does not adversely affect protein function. This variant has not been reported in the literature in individuals affected with SPEG-related conditions. This variant is present in population databases (rs770384760, gnomAD 0.005%). This sequence change replaces arginine, which is basic and polar, with histidine, which is basic and polar, at codon 858 of the SPEG protein (p.Arg858His).

NM_005876.5(SPEG):c.2573G>A (p.Arg858His)

Gene: SPEG (striated muscle enriched protein kinase; plus strand). Cytogenetic location: 2q35.
Variant type: single nucleotide variant.
Coding change: c.2573G>A on transcript NM_005876.5 (MANE Select); coding-DNA position 2573, G replaced by A.
Protein change: p.Arg858His; replaces arginine 858 with histidine.
Molecular consequence: missense variant.
Genome position (GRCh38, 1-based): chr2:219,462,014, G>A. VCF-style: chr2-219462014-G-A. GRCh37 (hg19) VCF-style: chr2-220326736-G-A.
Other names: c.26G>A, p.Arg9His (NM_001173476.2); short protein forms R858H, R9H.
Identifiers: ClinVar variation 1938698 (VCV001938698.4), dbSNP rs770384760, ClinGen allele CA2125882.